The following is an entry in ClinVar:

ClinVar aggregate classification (germline): Conflicting classifications of pathogenicity. Review status: criteria provided, conflicting classifications (1 of 4 stars). 3 submissions from 3 submitters: Uncertain significance (2); Likely benign (1). Last evaluated 2024-01-19.

Conditions:
X-linked intellectual disability, Cantagrel type (XLID98). Also called: INTELLECTUAL DEVELOPMENTAL DISORDER, X-LINKED 98. Identifiers: Orphanet 85277, MedGen C3806730, MONDO:0010483, OMIM 300912.

gnomAD v4.1: 3 of 1,211,582 alleles (0.00025%); highest among the groups gnomAD compares: East Asian, 0.0059%; no homozygotes.

Submissions (3):

Labcorp Genetics (formerly Invitae), Labcorp
Classification: Likely benign. Last evaluated: 2024-01-19. Review status: criteria provided, single submitter. Criteria: Invitae Variant Classification Sherloc (09022015). Collection method: clinical testing. Allele origin: germline.

Department of Pathology and Laboratory Medicine, Sinai Health System
Classification: Uncertain significance for X-linked intellectual disability, Cantagrel type. Last evaluated: 2022-09-02. Review status: criteria provided, single submitter. Criteria: ACMG Guidelines, 2015. Collection method: research. Allele origin: germline.

Ambry Genetics
Classification: Uncertain significance. Last evaluated: 2022-08-31. Review status: criteria provided, single submitter. Criteria: Ambry Variant Classification Scheme 2023. Collection method: clinical testing. Allele origin: germline.
Comment: The c.3481G>T (p.D1161Y) alteration is located in exon 3 (coding exon 2) of the KIAA2022 gene. This alteration results from a G to T substitution at nucleotide position 3481, causing the aspartic acid (D) at amino acid position 1161 to be replaced by a tyrosine (Y). This variant was not reported in population-based cohorts in the Genome Aggregation Database (gnomAD). This amino acid position is not well conserved in available vertebrate species. This alteration is predicted to be tolerated by in silico analysis. Based on insufficient or conflicting evidence, the clinical significance of this alteration remains unclear.

NM_001008537.3(NEXMIF):c.3481G>T (p.Asp1161Tyr)

Gene: NEXMIF (neurite extension and migration factor; minus strand). Cytogenetic location: Xq13.3.
Variant type: single nucleotide variant.
Coding change: c.3481G>T on transcript NM_001008537.3 (MANE Select); coding-DNA position 3481, G replaced by T.
Protein change: p.Asp1161Tyr; replaces aspartic acid 1161 with tyrosine.
Molecular consequence: missense variant.
Genome position (GRCh38, 1-based): chrX:74,741,076, C>A on the plus strand (G>T on the coding strand, the complement: NEXMIF is on the minus strand). VCF-style: chrX-74741076-C-A. GRCh37 (hg19) VCF-style: chrX-73960911-C-A.
Other names: short protein forms D1161Y.
Identifiers: ClinVar variation 659556 (VCV000659556.11), dbSNP rs1281329703, ClinGen allele CA413665757.